The following is an entry in ClinVar:

ClinVar aggregate classification (germline): Conflicting classifications of pathogenicity. Review status: criteria provided, conflicting classifications (1 of 4 stars). 3 submissions from 2 submitters: Likely pathogenic (2); Uncertain significance (1). Last evaluated 2025-10-30.

Conditions:
Cardiovascular phenotype. Identifiers: MedGen CN230736.
Catecholaminergic polymorphic ventricular tachycardia 1. Also called: VENTRICULAR TACHYCARDIA, CATECHOLAMINERGIC POLYMORPHIC, 1, WITH OR WITHOUT ATRIAL DYSFUNCTION AND/OR DILATED CARDIOMYOPATHY; RYR2-Related Catecholaminergic Polymorphic Ventricular Tachycardia; VENTRICULAR TACHYCARDIA, STRESS-INDUCED POLYMORPHIC 1. Identifiers: Orphanet 3286, MedGen C1631597, MONDO:0011484, OMIM 604772.
Catecholaminergic polymorphic ventricular tachycardia (CVPT). Also called: Catecholamine-induced polymorphic ventricular tachycardia. Identifiers: Orphanet 3286, MedGen C5574922, MONDO:0017990.

Submissions (3):

Labcorp Genetics (formerly Invitae), Labcorp
Classification: Likely pathogenic for Catecholaminergic polymorphic ventricular tachycardia 1. Last evaluated: 2025-10-30. Review status: criteria provided, single submitter. Criteria: Invitae Variant Classification Sherloc (09022015). Collection method: clinical testing. Allele origin: germline.
Comment: This variant results in the deletion of part of exon 6 (c.520_550+494del) of the TRDN gene. It is expected to disrupt RNA splicing. Variants that disrupt the donor or acceptor splice site typically lead to a loss of protein function (PMID: 16199547), and loss-of-function variants in TRDN are known to be pathogenic (PMID: 22422768, 25922419, 26200674, 30649896). This variant is not present in population databases (gnomAD no frequency). This variant has not been reported in the literature in individuals affected with TRDN-related conditions. ClinVar contains an entry for this variant (Variation ID: 581623). In summary, the currently available evidence indicates that the variant is pathogenic, but additional data are needed to prove that conclusively. Therefore, this variant has been classified as Likely Pathogenic.

Ambry Genetics
Classification: Uncertain significance for Cardiovascular phenotype. Last evaluated: 2025-05-19. Review status: criteria provided, single submitter. Criteria: Ambry Variant Classification Scheme 2023. Collection method: clinical testing. Allele origin: germline.
Comment: The c.520_550+494del525 gross deletion spans a portion of coding exon 6 in the TRDN gene, including the canonical donor site. Alterations that disrupt the canonical splice site are expected to result in aberrant splicing. In silico splice site analysis predicts that this alteration will weaken the native splice donor site. The resulting transcript is predicted to be in-frame and is not expected to trigger nonsense-mediated mRNAdecay; however, direct evidence is unavailable. The exact functional effect of the missing amino acids is unknown. Since supporting evidence is limited at this time, the clinical significance of this alteration remains unclear.

Labcorp Genetics (formerly Invitae), Labcorp
Classification: Likely pathogenic for Catecholaminergic polymorphic ventricular tachycardia. Last evaluated: 2018-04-26. Review status: criteria provided, single submitter. Criteria: Invitae Variant Classification Sherloc (09022015). Collection method: clinical testing. Allele origin: germline.
Comment: This variant is a gross deletion of the genomic region encompassing part of exon 6 (c.520_550+494del) of the TRDN gene. It is expected to disrupt RNA splicing and likely results in an absent or disrupted protein product This variant has not been reported in the literature in individuals with TRDN-related disease. Loss-of-function variants in TRDN are known to be pathogenic (PMID: 22422768, 26200674). In summary, the currently available evidence indicates that the variant is pathogenic, but additional data are needed to prove that conclusively. Therefore, this variant has been classified as Likely Pathogenic.

Literature cited by the submitters: PubMed 16199547 (cited by Labcorp Genetics (formerly Invitae), Labcorp); PubMed 22422768 (cited by Labcorp Genetics (formerly Invitae), Labcorp); PubMed 25922419 (cited by Labcorp Genetics (formerly Invitae), Labcorp); PubMed 26200674 (cited by Labcorp Genetics (formerly Invitae), Labcorp); PubMed 30649896 (cited by Labcorp Genetics (formerly Invitae), Labcorp).

NM_006073.4(TRDN):c.520_550+494del

Gene: TRDN (triadin; minus strand). Cytogenetic location: 6q22.31.
Variant type: Deletion.
Coding change: c.520_550+494del on transcript NM_006073.4 (MANE Select); coding-DNA position 520 through 494 bases into the intron after coding-DNA position 550, 525 bases deleted.
Molecular consequence: splice donor variant.
Genome position (GRCh38, 1-based): chr6:123,515,647-123,516,171, 525 bases deleted. GRCh37 (hg19): chr6:123,836,795-123,837,319.
Other names: c.520_550+494del (NM_001251987.2, NM_001256020.2, NM_001256021.2).
Identifiers: ClinVar variation 581623 (VCV000581623.6), dbSNP rs1562358749, ClinGen allele CA891843357.